The following is an entry in ClinVar:

NM_005188.4(CBL):c.452T>A (p.Leu151Gln)

Gene: CBL (Cbl proto-oncogene; plus strand). Cytogenetic location: 11q23.3.
Variant type: single nucleotide variant.
Coding change: c.452T>A on transcript NM_005188.4 (MANE Select); coding-DNA position 452, T replaced by A.
Protein change: p.Leu151Gln; replaces leucine 151 with glutamine.
Molecular consequence: missense variant.
Genome position (GRCh38, 1-based): chr11:119,271,743, T>A. VCF-style: chr11-119271743-T-A. GRCh37 (hg19) VCF-style: chr11-119142453-T-A.
Other names: short protein forms L151Q.
Identifiers: ClinVar variation 4800601 (VCV004800601.1).
Genomic context (GRCh38, chr11:119,271,743, plus strand): 5'-TAAAATAAAAATAATTTTATGTGTTTAATTATTGCATTCTGATCATTTGTAGGCGAAACC[T>A]AACCAAACTGTCCCTCATCTTCAGCCACATGCTGGCAGAACTAAAAGGAATCTTTCCAAG-3'
Protein context (NP_005179.2, residues 141-161): YEENSQPRRN[Leu151Gln]TKLSLIFSHM

ClinVar aggregate classification (germline): Uncertain significance (1 of 4 stars; one submission).

Conditions:
RASopathy. Also called: rasopathies; Noonan spectrum disorder. Identifiers: Orphanet 536391, MedGen C5555857, MONDO:0021060.

Submission:

Labcorp Genetics (formerly Invitae), Labcorp
Classification: Uncertain significance for RASopathy. Last evaluated: 2025-12-15. Review status: criteria provided, single submitter. Criteria: Invitae Variant Classification Sherloc (09022015). Collection method: clinical testing. Allele origin: germline.
Comment: This sequence change replaces leucine, which is neutral and non-polar, with glutamine, which is neutral and polar, at codon 151 of the CBL protein (p.Leu151Gln). This variant is not present in population databases (gnomAD no frequency). This variant has not been reported in the literature in individuals affected with CBL-related conditions. Invitae Evidence Modeling of protein sequence and biophysical properties (such as structural, functional, and spatial information, amino acid conservation, physicochemical variation, residue mobility, and thermodynamic stability) indicates that this missense variant is expected to disrupt CBL protein function with a positive predictive value of 95%. In summary, the available evidence is currently insufficient to determine the role of this variant in disease. Therefore, it has been classified as a Variant of Uncertain Significance.